The following is an entry in ClinVar:

NM_006231.4(POLE):c.4922C>T (p.Thr1641Ile)

Gene: POLE (DNA polymerase epsilon, catalytic subunit; minus strand). Cytogenetic location: 12q24.33.
Variant type: single nucleotide variant.
Coding change: c.4922C>T on transcript NM_006231.4 (MANE Select); coding-DNA position 4922, C replaced by T.
Protein change: p.Thr1641Ile; replaces threonine 1641 with isoleucine.
Molecular consequence: missense variant.
Genome position (GRCh38, 1-based): chr12:132,642,536, G>A on the plus strand (C>T on the coding strand, the complement: POLE is on the minus strand). VCF-style: chr12-132642536-G-A. GRCh37 (hg19) VCF-style: chr12-133219122-G-A.
Other names: short protein forms T1641I.
Identifiers: ClinVar variation 2620662 (VCV002620662.3), dbSNP rs2042170389, ClinGen allele CA387377904.

ClinVar aggregate classification (germline): Uncertain significance. Review status: criteria provided, multiple submitters, no conflicts (2 of 4 stars). 2 submissions from 2 submitters: Uncertain significance (2). Last evaluated 2025-06-09.

Conditions:
Hereditary cancer-predisposing syndrome. Also called: Tumor predisposition; Hereditary Cancer Syndrome; Hereditary neoplastic syndrome; Neoplastic Syndromes, Hereditary. Identifiers: Orphanet 140162, MedGen C0027672, MeSH D009386, MONDO:0015356.

Submissions (2):

Labcorp Genetics (formerly Invitae), Labcorp
Classification: Uncertain significance. Last evaluated: 2025-06-09. Review status: criteria provided, single submitter. Criteria: Invitae Variant Classification Sherloc (09022015). Collection method: clinical testing. Allele origin: germline.
Comment: This sequence change replaces threonine, which is neutral and polar, with isoleucine, which is neutral and non-polar, at codon 1641 of the POLE protein (p.Thr1641Ile). This variant is not present in population databases (gnomAD no frequency). This variant has not been reported in the literature in individuals affected with POLE-related conditions. ClinVar contains an entry for this variant (Variation ID: 2620662). Invitae Evidence Modeling of protein sequence and biophysical properties (such as structural, functional, and spatial information, amino acid conservation, physicochemical variation, residue mobility, and thermodynamic stability) indicates that this missense variant is not expected to disrupt POLE protein function with a negative predictive value of 80%. In summary, the available evidence is currently insufficient to determine the role of this variant in disease. Therefore, it has been classified as a Variant of Uncertain Significance.

Ambry Genetics
Classification: Uncertain significance for Hereditary cancer-predisposing syndrome. Last evaluated: 2023-07-05. Review status: criteria provided, single submitter. Criteria: Ambry Variant Classification Scheme 2023. Collection method: clinical testing. Allele origin: germline.
Comment: The p.T1641I variant (also known as c.4922C>T), located in coding exon 37 of the POLE gene, results from a C to T substitution at nucleotide position 4922. The threonine at codon 1641 is replaced by isoleucine, an amino acid with similar properties. This amino acid position is conserved. In addition, this alteration is predicted to be tolerated by in silico analysis. Since supporting evidence is limited at this time, the clinical significance of this alteration remains unclear.